The following is an entry in ClinVar:

ClinVar aggregate classification (germline): Uncertain significance. Review status: criteria provided, multiple submitters, no conflicts (2 of 4 stars). 3 submissions from 3 submitters: Uncertain significance (3). Last evaluated 2023-11-10.

Conditions:
Hereditary cancer-predisposing syndrome. Also called: Neoplastic Syndromes, Hereditary; Tumor predisposition; Hereditary Cancer Syndrome; Hereditary neoplastic syndrome. Identifiers: Orphanet 140162, MedGen C0027672, MeSH D009386, MONDO:0015356.
Isolated focal cortical dysplasia type II (FCORD2). Also called: CORTICAL DYSPLASIA OF TAYLOR; Focal cortical dysplasia type II. Identifiers: Orphanet 268994, MedGen C1846385, MONDO:0011818, OMIM 607341, HP:0032051.
Tuberous sclerosis 2 (TSC2). Identifiers: Orphanet 805, MedGen C1860707, MONDO:0013199, OMIM 613254.

Submissions (3):

Labcorp Genetics (formerly Invitae), Labcorp
Classification: Uncertain significance for Tuberous sclerosis 2. Last evaluated: 2023-11-10. Review status: criteria provided, single submitter. Criteria: Invitae Variant Classification Sherloc (09022015). Collection method: clinical testing. Allele origin: germline.
Comment: This sequence change replaces lysine, which is basic and polar, with alanine, which is neutral and non-polar, at codon 1168 of the TSC2 protein (p.Lys1168Ala). Information on the frequency of this variant in the gnomAD database is not available, as this variant may be reported differently in the database. This variant has not been reported in the literature in individuals affected with TSC2-related conditions. ClinVar contains an entry for this variant (Variation ID: 1732078). An algorithm developed to predict the effect of missense changes on protein structure and function (PolyPhen-2) suggests that this variant is likely to be tolerated. In summary, the available evidence is currently insufficient to determine the role of this variant in disease. Therefore, it has been classified as a Variant of Uncertain Significance.

Baylor Genetics
Classification: Uncertain significance for Isolated focal cortical dysplasia type II. Last evaluated: 2023-08-20. Review status: criteria provided, single submitter. Criteria: ACMG Guidelines, 2015. Collection method: clinical testing. Allele origin: unknown.

Ambry Genetics
Classification: Uncertain significance for Hereditary cancer-predisposing syndrome. Last evaluated: 2022-04-18. Review status: criteria provided, single submitter. Criteria: Ambry Variant Classification Scheme 2023. Collection method: clinical testing. Allele origin: germline.
Comment: The c.3502_3503delAAinsGC variant (also known as p.K1168A), located in coding exon 29 of the TSC2 gene, results from an in-frame deletion of AA and insertion of GC at nucleotide positions 3502 to 3503. This results in the substitution of the lysine residue for an alanine residue at codon 1168, an amino acid with dissimilar properties. This amino acid position is not well conserved in available vertebrate species. In addition, this alteration is predicted to be neutral by in silico analysis (Choi Y et al. PLoS ONE. 2012; 7(10):e46688). Since supporting evidence is limited at this time, the clinical significance of this alteration remains unclear.

NM_000548.5(TSC2):c.3502_3503delinsGC (p.Lys1168Ala)

Gene: TSC2 (TSC complex subunit 2; plus strand). Cytogenetic location: 16p13.3.
Variant type: Indel.
Coding change: c.3502_3503delinsGC on transcript NM_000548.5 (MANE Select); coding-DNA positions 3502 to 3503, AA replaced by GC.
Protein change: p.Lys1168Ala; replaces lysine 1168 with alanine.
Molecular consequence: missense variant.
Genome position (GRCh38, 1-based): chr16:2,080,269-2,080,270, AA replaced by GC. VCF-style: chr16-2080269-AA-GC. GRCh37 (hg19) VCF-style: chr16-2130270-AA-GC.
Other names: c.3370_3371delinsGC, p.Lys1124Ala (NM_001077183.3, NM_001370404.1); c.3502_3503delinsGC, p.Lys1168Ala (NM_001114382.3); c.3262_3263delinsGC, p.Lys1088Ala (NM_001318827.2); c.3226_3227delinsGC, p.Lys1076Ala (NM_001318829.2); c.2770_2771delinsGC, p.Lys924Ala (NM_001318831.2); c.3403_3404delinsGC, p.Lys1135Ala (NM_001318832.2); c.3373_3374delinsGC, p.Lys1125Ala (NM_001363528.2, NM_001370405.1, NM_021055.3); c.3499_3500delAAinsGC, p.Lys1167Ala (NM_001406663.1, NM_001406664.1); and 20 more; short protein forms K1076A, K1119A, K1121A, K1167A, K677A, K1087A, K1120A, K1125A.
Identifiers: ClinVar variation 1732078 (VCV001732078.6), dbSNP rs2544098314, ClinGen allele CA2580090994.